The following is an entry in ClinVar:

NM_001273.5(CHD4):c.4071C>A (p.Asp1357Glu)

Genes: CHD4 (chromodomain helicase DNA binding protein 4; minus strand), CHD4-AS1 (CHD4 antisense RNA 1; plus strand). Cytogenetic location: 12p13.31.
Variant type: single nucleotide variant.
Coding change: c.4071C>A on transcript NM_001273.5 (MANE Select); coding-DNA position 4071, C replaced by A.
Protein change: p.Asp1357Glu; replaces aspartic acid 1357 with glutamic acid.
Molecular consequence: missense variant.
Genome position (GRCh38, 1-based): chr12:6,583,103, G>T on the plus strand (C>A on the coding strand, the complement: CHD4 is on the minus strand). VCF-style: chr12-6583103-G-T. GRCh37 (hg19) VCF-style: chr12-6692269-G-T.
Other names: c.4050C>A, p.Asp1350Glu (NM_001297553.2); c.4032C>A, p.Asp1344Glu (NM_001363606.2); short protein forms D1344E, D1350E, D1357E.
Identifiers: ClinVar variation 3368920 (VCV003368920.1).
Genomic context (GRCh38, chr12:6,583,103, plus strand): 5'-AAAGTCTTCATCACCTTCCTCTGAAGCCACTGAGTAATCGGACTGGTTGTCGGACTGGTC[G>T]TCCTGCCAATCTGGAGGGAGAGAGGGCAGATGAGCGGGGCCCACTGCTCTAGTGGAACGG-3'
Protein context (NP_001264.2, residues 1347-1367): DGSQEDRDWQ[Asp1357Glu]DQSDNQSDYS

ClinVar aggregate classification (germline): Uncertain significance (1 of 4 stars; one submission).

Submission:

GeneDx
Classification: Uncertain significance. Last evaluated: 2024-02-06. Review status: criteria provided, single submitter. Criteria: GeneDx Variant Classification Process June 2021. Collection method: clinical testing. Allele origin: germline. Affected: yes.
Comment: Not observed at significant frequency in large population cohorts (gnomAD); In silico analysis supports that this missense variant does not alter protein structure/function; Has not been previously published as pathogenic or benign to our knowledge